The following is an entry in ClinVar:

ClinVar aggregate classification (germline): Uncertain significance (1 of 4 stars; one submission).

Submission:

GeneDx
Classification: Uncertain significance. Last evaluated: 2022-10-19. Review status: criteria provided, single submitter. Criteria: GeneDx Variant Classification Process June 2021. Collection method: clinical testing. Allele origin: germline. Affected: yes.
Comment: Not observed at significant frequency in large population cohorts (gnomAD); Missense variants in this gene are often considered pathogenic (HGMD); In silico analysis supports that this missense variant has a deleterious effect on protein structure/function; Has not been previously published as pathogenic or benign to our knowledge

NM_030662.4(MAP2K2):c.360G>T (p.Gln120His)

Gene: MAP2K2 (mitogen-activated protein kinase kinase 2; minus strand). Cytogenetic location: 19p13.3.
Variant type: single nucleotide variant.
Coding change: c.360G>T on transcript NM_030662.4 (MANE Select); coding-DNA position 360, G replaced by T.
Protein change: p.Gln120His; replaces glutamine 120 with histidine.
Molecular consequence: missense variant.
Genome position (GRCh38, 1-based): chr19:4,110,599, C>A on the plus strand (G>T on the coding strand, the complement: MAP2K2 is on the minus strand). VCF-style: chr19-4110599-C-A. GRCh37 (hg19) VCF-style: chr19-4110597-C-A.
Other names: short protein forms Q120H.
Identifiers: ClinVar variation 2499908 (VCV002499908.1), dbSNP rs2145070065, ClinGen allele CA403391578.